The following is an entry in ClinVar:

NM_020822.3(KCNT1):c.3575C>T (p.Pro1192Leu)

Gene: KCNT1 (potassium sodium-activated channel subfamily T member 1; plus strand). Cytogenetic location: 9q34.3.
Variant type: single nucleotide variant.
Coding change: c.3575C>T on transcript NM_020822.3 (MANE Select); coding-DNA position 3575, C replaced by T.
Protein change: p.Pro1192Leu; replaces proline 1192 with leucine.
Molecular consequence: missense variant.
Genome position (GRCh38, 1-based): chr9:135,791,869, C>T. VCF-style: chr9-135791869-C-T. GRCh37 (hg19) VCF-style: chr9-138683715-C-T.
Other names: c.3503C>T, p.Pro1168Leu (NM_001272003.2); short protein forms P1192L, P1168L.
Identifiers: ClinVar variation 501376 (VCV000501376.19), dbSNP rs147654995, ClinGen allele CA5327951.

ClinVar aggregate classification (germline): Conflicting classifications of pathogenicity. Review status: criteria provided, conflicting classifications (1 of 4 stars). 7 submissions from 6 submitters: Uncertain significance (6); Likely benign (1). Last evaluated 2025-12-15.

Conditions:
Inborn genetic diseases. Identifiers: MedGen C0950123, MeSH D030342.
Autosomal dominant nocturnal frontal lobe epilepsy 5. Also called: Epilepsy, nocturnal frontal lobe, 5; CILIARY DYSKINESIA, PRIMARY, 28, WITHOUT SITUS INVERSUS; CILIARY DYSKINESIA, PRIMARY, 28, WITH SITUS INVERSUS; KCNT1-Related Epilepsy. Identifiers: Orphanet 98784, MedGen C3554306, MONDO:0014002, OMIM 615005.
Developmental and epileptic encephalopathy, 14 (DEE14). Also called: Early infantile epileptic encephalopathy 14. Identifiers: Orphanet 293181, MedGen C3554195, MONDO:0013989, OMIM 614959.

Allele frequency attached by ClinVar (database versions not stated): gnomAD exomes 0.00001; ExAC 0.00002; TOPMed 0.00004; gnomAD 0.00005 and 0.00006; ESP Exome Variant Server 0.00008; 1000 Genomes Project 30x 0.00016; 1000 Genomes Project 0.00020.
gnomAD v4.1: 11 of 1,613,942 alleles (0.00068%); highest among the groups gnomAD compares: African/African-American, 0.015%; no homozygotes.

Submissions (7):

Labcorp Genetics (formerly Invitae), Labcorp
Classification: Likely benign for Autosomal dominant nocturnal frontal lobe epilepsy 5; Developmental and epileptic encephalopathy, 14. Last evaluated: 2025-12-15. Review status: criteria provided, single submitter. Criteria: Invitae Variant Classification Sherloc (09022015). Collection method: clinical testing. Allele origin: germline.

Ambry Genetics
Classification: Uncertain significance for Inborn genetic diseases. Last evaluated: 2022-03-23. Review status: criteria provided, single submitter. Criteria: Ambry Variant Classification Scheme 2023. Collection method: clinical testing. Allele origin: germline.

Genome-Nilou Lab
Classification: Uncertain significance for Developmental and epileptic encephalopathy, 14. Last evaluated: 2022-03-15. Review status: criteria provided, single submitter. Criteria: ACMG Guidelines, 2015. Collection method: clinical testing. Allele origin: germline. Affected: no.

Genome-Nilou Lab
Classification: Uncertain significance for Autosomal dominant nocturnal frontal lobe epilepsy 5. Last evaluated: 2022-03-15. Review status: criteria provided, single submitter. Criteria: ACMG Guidelines, 2015. Collection method: clinical testing. Allele origin: germline. Affected: no.

Fulgent Genetics
Classification: Uncertain significance for Developmental and epileptic encephalopathy, 14; Autosomal dominant nocturnal frontal lobe epilepsy 5. Last evaluated: 2021-12-01. Review status: criteria provided, single submitter. Criteria: ACMG Guidelines, 2015. Collection method: clinical testing. Allele origin: unknown.

GeneDx
Classification: Uncertain significance. Last evaluated: 2019-05-31. Review status: criteria provided, single submitter. Criteria: GeneDx Variant Classification Process June 2021. Collection method: clinical testing. Allele origin: germline. Affected: yes.
Comment: In silico analysis, which includes protein predictors and evolutionary conservation, supports a deleterious effect; Has not been previously published as pathogenic or benign to our knowledge

Eurofins Ntd Llc (ga)
Classification: Uncertain significance. Last evaluated: 2017-05-02. Review status: criteria provided, single submitter. Criteria: EGL Classification Definitions 2015. Collection method: clinical testing. Allele origin: germline. Observed: 1 variant allele, 1 heterozygote.